The following is an entry in ClinVar:

ClinVar aggregate classification (germline): Likely pathogenic (1 of 4 stars; one submission).

Conditions:
Autosomal recessive limb-girdle muscular dystrophy type 2J (LGMDR10). Also called: Limb-girdle muscular dystrophy, type 2J; MUSCULAR DYSTROPHY, LIMB-GIRDLE, AUTOSOMAL RECESSIVE 10. Identifiers: Orphanet 140922, MedGen C1837342, MONDO:0012127, OMIM 608807.
Dilated cardiomyopathy 1G (CMD1G). Identifiers: Orphanet 154, MedGen C1858763, MONDO:0011400, OMIM 604145.

Submission:

Labcorp Genetics (formerly Invitae), Labcorp
Classification: Likely pathogenic for Dilated cardiomyopathy 1G; Autosomal recessive limb-girdle muscular dystrophy type 2J. Last evaluated: 2025-04-17. Review status: criteria provided, single submitter. Criteria: Invitae Variant Classification Sherloc (09022015). Collection method: clinical testing. Allele origin: germline.
Comment: This sequence change creates a premature translational stop signal (p.Ile34667Leufs*5) in the TTN gene. While this is not anticipated to result in nonsense mediated decay, it is expected to create a truncated TTN protein. This variant is not present in population databases (gnomAD no frequency). This variant has not been reported in the literature in individuals affected with TTN-related conditions. This variant is located in the M band of TTN (PMID: 25589632). Truncating variants in this region have been previously reported in individuals affected with autosomal dominant or autosomal recessive myopathy and muscular dystrophy (PMID: 18948003, 23975875, 24395473). Truncating variants in this region have also been identified in individuals affected with autosomal dominant dilated cardiomyopathy and/or cardio-related conditions (PMID: 27869827, 32964742, internal data). In summary, the currently available evidence indicates that the variant is pathogenic, but additional data are needed to prove that conclusively. Therefore, this variant has been classified as Likely Pathogenic.

Literature cited by the submitters: PubMed 25589632; PubMed 18948003; PubMed 23975875; PubMed 24395473; PubMed 27869827; PubMed 32964742.

NM_001267550.2(TTN):c.103998del (p.Ile34667fs)

Genes: TTN-AS1 (TTN antisense RNA 1; plus strand), TTN (titin; minus strand). Cytogenetic location: 2q31.2.
Variant type: Deletion.
Coding change: c.103998del on transcript NM_001267550.2 (MANE Select); coding-DNA position 103998, one base deleted (C; older notation c.103998delC).
Protein change: p.Ile34667fs; shifts the reading frame from isoleucine 34667.
Molecular consequence: frameshift variant.
Genome position (GRCh38, 1-based): chr2:178,532,617, G deleted on the plus strand (C on the coding strand, the reverse complement: TTN is on the minus strand); the first of 4 consecutive G bases (chr2:178,532,617-178,532,620); deleting any one gives the same sequence. VCF-style (leftmost placement, unchanged base first): chr2-178532616-TG-T. GRCh37 (hg19) VCF-style: chr2-179397343-TG-T.
Other names: c.99075del, p.Ile33026fs (NM_001256850.1); c.76803del, p.Ile25602fs (NM_003319.4); c.96294del, p.Ile32099fs (NM_133378.4); c.77178del, p.Ile25727fs (NM_133432.3); c.77379del, p.Ile25794fs (NM_133437.4); short protein forms I25727fs, I25794fs, I33026fs, I32099fs, I34667fs, I25602fs.
Identifiers: ClinVar variation 4784735 (VCV004784735.1).
Genomic context (GRCh38, chr2:178,532,616, plus strand): 5'-GCTCTTCTTCAAGACGCAGCCTCTCTTCCTCTGTTCTTTTCATTGCTAAGTAGTCATCAA[TG>T]GGGAGGAGTAATTCTTCATCAGAGATGTCCCCAAGAGAACGTCTTCTAGGTCGGTAGTAA-3'